The following is an entry in ClinVar:

ClinVar aggregate classification (germline): Uncertain significance. Review status: criteria provided, multiple submitters, no conflicts (2 of 4 stars). 3 submissions from 3 submitters: Uncertain significance (2). 1 of the submissions does not count toward it. Last evaluated 2022-07-12.

Conditions:
Usher syndrome type 1 (USH1). Also called: RETINITIS PIGMENTOSA AND CONGENITAL DEAFNESS. Identifiers: Orphanet 231169, Orphanet 886, MedGen C1568247, MONDO:0010168, OMIM 276900.

Allele frequency attached by ClinVar (database versions not stated): gnomAD 0.00001; gnomAD exomes 0.00002; ExAC 0.00003.
gnomAD v4.1: 10 of 1,612,484 alleles (0.00062%); highest among the groups gnomAD compares: Admixed American, 0.0017%; no homozygotes.

Submissions (3):

GeneDx
Classification: Uncertain significance. Last evaluated: 2022-07-12. Review status: criteria provided, single submitter. Criteria: GeneDx Variant Classification Process June 2021. Collection method: clinical testing. Allele origin: germline. Affected: yes.
Comment: Not observed at significant frequency in large population cohorts (gnomAD); In silico analysis supports that this missense variant has a deleterious effect on protein structure/function; Has not been previously published as pathogenic or benign to our knowledge

Laboratory for Molecular Medicine, Mass General Brigham Personalized Medicine
Classification: Uncertain significance. Last evaluated: 2012-01-10. Review status: criteria provided, single submitter. Criteria: LMM Criteria. Collection method: clinical testing. Allele origin: germline. Observed: 1 variant allele.
Comment: The Val947Glu variant in CDH23 has not been reported in the literature nor ident ified by our laboratory. Computational analyses (biochemical amino acid properti es, homology, PolyPhen2, SIFT, AlignGVGD) do not provide strong support for or a gainst pathogenicity. In summary, the clinical significance of this variant cann ot be determined with certainty at this time.

Natera, Inc.
Classification: Uncertain significance for Usher syndrome type 1. Last evaluated: 2019-10-28. Review status: no assertion criteria provided. Collection method: clinical testing. Allele origin: germline. Not counted in ClinVar's aggregate classification.

NM_022124.6(CDH23):c.2840T>A (p.Val947Glu)

Gene: CDH23 (cadherin related 23; plus strand). Cytogenetic location: 10q22.1.
Variant type: single nucleotide variant.
Coding change: c.2840T>A on transcript NM_022124.6 (MANE Select); coding-DNA position 2840, T replaced by A.
Protein change: p.Val947Glu; replaces valine 947 with glutamic acid.
Molecular consequence: missense variant.
Genome position (GRCh38, 1-based): chr10:71,705,017, T>A. VCF-style: chr10-71705017-T-A. GRCh37 (hg19) VCF-style: chr10-73464774-T-A.
Other names: c.2840T>A, p.Val947Glu (NM_001171930.2, NM_001171931.2); short protein forms V947E.
Identifiers: ClinVar variation 45903 (VCV000045903.6), dbSNP rs397517318, ClinGen allele CA137340.